The following is an entry in ClinVar:

NM_025103.4(IFT74):c.1054+7359T>G

Gene: IFT74 (intraflagellar transport 74; plus strand). Cytogenetic location: 9p21.2.
Variant type: single nucleotide variant.
Coding change: c.1054+7359T>G on transcript NM_025103.4 (MANE Select); 7359 bases into the intron after coding-DNA position 1054, T replaced by G.
Molecular consequence: intron variant. On other transcripts: nonsense (1).
Genome position (GRCh38, 1-based): chr9:27,036,463, T>G. VCF-style: chr9-27036463-T-G. GRCh37 (hg19) VCF-style: chr9-27036461-T-G.
Other names: c.1068T>G, p.Tyr356Ter (NM_001099224.3); c.1054+7359T>G (NM_001099223.3, NM_001099222.3, NM_001349928.2); short protein forms Y356*.
Identifiers: ClinVar variation 4996257 (VCV004996257.1).

ClinVar aggregate classification (germline): Uncertain significance (1 of 4 stars; one submission).

Conditions:
IFT74-related disorder. Also called: IFT74-related condition; IFT74-Related Disorders.

Submission:

PreventionGenetics, part of Exact Sciences
Classification: Uncertain significance for IFT74-related condition. Last evaluated: 2025-08-29. Review status: criteria provided, single submitter. Criteria: ACMG Guidelines, 2015. Collection method: clinical testing. Allele origin: germline.
Comment: The IFT74 c.1068T>G variant is predicted to result in premature protein termination (p.Tyr356*). This variant creates a stop codon in the terminal exon of an alternate transcript with unknown clinical relevance. In the primary transcript, this variant is located deep intronic (NM_025103.2:c.1054+7359T>G). To our knowledge, this variant has not been reported in the literature or in a large population database (gnomAD), indicating this variant is rare. At this time, the clinical significance of this variant is uncertain due to the absence of conclusive functional and genetic evidence.